The following is an entry in ClinVar:

NM_024753.5(TTC21B):c.838A>G (p.Met280Val)

Gene: TTC21B (tetratricopeptide repeat domain 21B; minus strand). Cytogenetic location: 2q24.3.
Variant type: single nucleotide variant.
Coding change: c.838A>G on transcript NM_024753.5 (MANE Select); coding-DNA position 838, A replaced by G.
Protein change: p.Met280Val; replaces methionine 280 with valine.
Molecular consequence: missense variant.
Genome position (GRCh38, 1-based): chr2:165,931,814, T>C on the plus strand (A>G on the coding strand, the complement: TTC21B is on the minus strand). VCF-style: chr2-165931814-T-C. GRCh37 (hg19) VCF-style: chr2-166788324-T-C.
Other names: short protein forms M280V.
Identifiers: ClinVar variation 130661 (VCV000130661.63), dbSNP rs112868646, ClinGen allele CA155860.

ClinVar aggregate classification (germline): Benign/Likely benign. Review status: criteria provided, multiple submitters, no conflicts (2 of 4 stars). 16 submissions from 15 submitters: Benign (8); Likely benign (5). 3 of the submissions do not count toward it. Last evaluated 2026-05-01.

Conditions:
Connective tissue disorder. Also called: Connective tissue disease. Identifiers: MedGen C0009782, MONDO:0003900.
Jeune thoracic dystrophy. Also called: Short-rib thoracic dysplasia; Jeune syndrome; Infantile thoracic dystrophy; Thoracic pelvic phalangeal dystrophy; Jeune's syndrome; Chondroectodermal dysplasia-like syndrome. Identifiers: Orphanet 474, MedGen C0265275, MONDO:0018770.
Nephronophthisis. Also called: Juvenile Nephronophthisis. Identifiers: Orphanet 655, MedGen C0687120, MONDO:0019005, HP:0000090.
Asphyxiating thoracic dystrophy 4 (SRTD4). Also called: SHORT-RIB THORACIC DYSPLASIA 4 WITH OR WITHOUT POLYDACTYLY; SHORT-RIB THORACIC DYSPLASIA 4. Identifiers: Orphanet 474, MedGen C3151185, MONDO:0013441, OMIM 613819.
Nephronophthisis 12 (NPHP12). Identifiers: Orphanet 655, MedGen C3151186, MONDO:0013442, OMIM 613820.

Allele frequency attached by ClinVar (database versions not stated): gnomAD exomes 0.00109 and 0.00301; ExAC 0.00371; gnomAD 0.01208 and 0.01295; ESP Exome Variant Server 0.01322; TOPMed 0.01383; 1000 Genomes Project 0.01418; 1000 Genomes Project 30x 0.01499.
gnomAD v4.1: 3,488 of 1,613,616 alleles (0.22%); highest among the groups gnomAD compares: African/African-American, 4.1%; 79 homozygotes.

Submissions (16):

CeGaT Center for Human Genetics Tuebingen
Classification: Benign. Last evaluated: 2026-05-01. Review status: criteria provided, single submitter. Criteria: CeGaT Center For Human Genetics Tuebingen Variant Classification Criteria Version 2. Collection method: clinical testing. Allele origin: germline. Affected: yes. Observed: 2 variant alleles.
Comment: TTC21B: BP4, BS1, BS2

Labcorp Genetics (formerly Invitae), Labcorp
Classification: Benign for Jeune thoracic dystrophy; Nephronophthisis. Last evaluated: 2026-02-01. Review status: criteria provided, single submitter. Criteria: Invitae Variant Classification Sherloc (09022015). Collection method: clinical testing. Allele origin: germline.

Blueprint Genetics
Classification: Likely benign. Last evaluated: 2024-10-08. Review status: criteria provided, single submitter. Criteria: ACMG Guidelines, 2015. Collection method: clinical testing. Allele origin: germline.

Mayo Clinic Laboratories, Mayo Clinic
Classification: Benign. Last evaluated: 2024-08-28. Review status: criteria provided, single submitter. Criteria: ACMG Guidelines, 2015. Collection method: clinical testing. Allele origin: germline. Observed: 6 variant alleles.
Comment: BS1, BS2, BP4

ARUP Laboratories, Molecular Genetics and Genomics, ARUP Laboratories
Classification: Benign. Last evaluated: 2023-06-28. Review status: criteria provided, single submitter. Criteria: ARUP Molecular Germline Variant Investigation Process 2024. Collection method: clinical testing. Allele origin: germline.

Fulgent Genetics
Classification: Benign for Asphyxiating thoracic dystrophy 4; Nephronophthisis 12. Last evaluated: 2021-10-21. Review status: criteria provided, single submitter. Criteria: ACMG Guidelines, 2015. Collection method: clinical testing. Allele origin: unknown.

Genome Diagnostics Laboratory, The Hospital for Sick Children
Classification: Likely benign for Connective tissue disorder. Last evaluated: 2019-08-01. Review status: criteria provided, single submitter. Criteria: ACMG Guidelines, 2015. Collection method: clinical testing. Allele origin: germline.

Illumina Laboratory Services, Illumina
Classification: Likely benign for Asphyxiating thoracic dystrophy 4. Last evaluated: 2017-04-28. Review status: criteria provided, single submitter. Criteria: ICSL Variant Classification Criteria 13 December 2019. Collection method: clinical testing. Allele origin: germline.
Comment: This variant was observed as part of a predisposition screen in an ostensibly healthy population. A literature search was performed for the gene, cDNA change, and amino acid change (where applicable). Publications were found based on this search. The evidence from the literature, in combination with allele frequency data from public databases where available, was sufficient to determine this variant is unlikely to cause disease. Therefore, this variant is classified as likely benign.

Illumina Laboratory Services, Illumina
Classification: Likely benign for Nephronophthisis 12. Last evaluated: 2017-04-28. Review status: criteria provided, single submitter. Criteria: ICSL Variant Classification Criteria 13 December 2019. Collection method: clinical testing. Allele origin: germline.
Comment: the same text as in the submission from Illumina Laboratory Services, Illumina above.

GeneDx
Classification: Benign. Last evaluated: 2016-09-20. Review status: criteria provided, single submitter. Criteria: GeneDx Variant Classification (06012015). Collection method: clinical testing. Allele origin: germline. Affected: yes.
Comment: This variant is considered likely benign or benign based on one or more of the following criteria: it is a conservative change, it occurs at a poorly conserved position in the protein, it is predicted to be benign by multiple in silico algorithms, and/or has population frequency not consistent with disease.

Eurofins Ntd Llc (ga)
Classification: Benign. Last evaluated: 2014-09-04. Review status: criteria provided, single submitter. Criteria: EGL Classification Definitions 2015. Collection method: clinical testing. Allele origin: germline. Observed: 1 variant allele, 1 heterozygote.

Breakthrough Genomics
Classification: Likely benign. Review status: criteria provided, single submitter. Criteria: ACMG Guidelines, 2015. Collection method: not provided. Allele origin: germline. Inheritance: Autosomal recessive inheritance. Affected: yes.

PreventionGenetics, part of Exact Sciences
Classification: Benign. Review status: criteria provided, single submitter. Criteria: ACMG Guidelines, 2015. Collection method: clinical testing. Allele origin: germline.

Genetic Services Laboratory, University of Chicago
Classification: Likely benign for AllHighlyPenetrant. Review status: no assertion criteria provided. Collection method: clinical testing. Allele origin: germline. Inheritance: Autosomal recessive inheritance. Not counted in ClinVar's aggregate classification.
Comment: Likely benign based on allele frequency in 1000 Genomes Project or ESP global frequency and its presence in a patient with a rare or unrelated disease phenotype. NOT Sanger confirmed.

Genome Diagnostics Laboratory, University Medical Center Utrecht
Classification: Benign. Review status: no assertion criteria provided. Collection method: clinical testing. Allele origin: germline. Affected: yes. Study: VKGL Data-share Consensus. Not counted in ClinVar's aggregate classification.

Laboratory of Diagnostic Genome Analysis, Leiden University Medical Center (LUMC)
Classification: Likely benign. Review status: no assertion criteria provided. Collection method: clinical testing. Allele origin: germline. Affected: yes. Study: VKGL Data-share Consensus. Not counted in ClinVar's aggregate classification.

Literature cited by the submitters: PubMed 21258341 (cited by Mayo Clinic Laboratories, Mayo Clinic and Illumina Laboratory Services, Illumina); PubMed 27894351 (cited by Mayo Clinic Laboratories, Mayo Clinic).